The following is an entry in ClinVar:

NC_000003.11:g.(?_128198104)_(128205874_?)dup

Gene: GATA2 (GATA binding protein 2; minus strand). Cytogenetic location: 3q21.3.
Variant type: Duplication.
Identifiers: ClinVar variation 1052606 (VCV001052606.1).

ClinVar aggregate classification (germline): Uncertain significance (1 of 4 stars; one submission).

Conditions:
Deafness-lymphedema-leukemia syndrome. Also called: Lymphedema, primary, with myelodysplasia; Emberger syndrome. Identifiers: Orphanet 3226, MedGen C3279664, MONDO:0013540, OMIM 614038.
Monocytopenia with susceptibility to infections. Also called: MONOCYTOPENIA AND MYCOBACTERIAL INFECTION SYNDROME; MONOCYTOPENIA WITH SUSCEPTIBILITY TO MYCOBACTERIAL, FUNGAL, AND PAPILLOMAVIRUS INFECTIONS AND MYELODYSPLASIA; COMBINED IMMUNODEFICIENCY WITH SUSCEPTIBILITY TO MYCOBACTERIAL, VIRAL, AND FUNGAL INFECTIONS; Dendritic cell, monocyte, B lymphocyte, and natural killer lymphocyte deficiency; GATA2 DEFICIENCY; IMMUNODEFICIENCY 21. Identifiers: Orphanet 228423, MedGen C3280030, MONDO:0013607, OMIM 614172.

Submission:

Labcorp Genetics (formerly Invitae), Labcorp
Classification: Uncertain significance for Monocytopenia with susceptibility to infections; Deafness-lymphedema-leukemia syndrome. Last evaluated: 2020-10-21. Review status: criteria provided, single submitter. Criteria: Invitae Variant Classification Sherloc (09022015). Collection method: clinical testing. Allele origin: germline.
Comment: This variant results in a copy number gain of the genomic region encompassing the full coding sequence of the GATA2 gene. The boundaries of this event are unknown as they extend beyond the assayed region for this gene and therefore may encompass additional genes. As the precise location of this event is unknown, it may be in tandem or it may be located elsewhere in the genome. This variant has not been reported in the literature in individuals with GATA2-related conditions. In summary, the available evidence is currently insufficient to determine the role of this variant in disease. Therefore, it has been classified as a Variant of Uncertain Significance.